The following is an entry in ClinVar:

NM_017433.5(MYO3A):c.1298G>A (p.Ser433Asn)

Gene: MYO3A (myosin IIIA; plus strand). Cytogenetic location: 10p12.1.
Variant type: single nucleotide variant.
Coding change: c.1298G>A on transcript NM_017433.5 (MANE Select); coding-DNA position 1298, G replaced by A.
Protein change: p.Ser433Asn; replaces serine 433 with asparagine.
Molecular consequence: missense variant.
Genome position (GRCh38, 1-based): chr10:26,070,340, G>A. VCF-style: chr10-26070340-G-A. GRCh37 (hg19) VCF-style: chr10-26359269-G-A.
Other names: short protein forms S433N.
Identifiers: ClinVar variation 3776385 (VCV003776385.1).

ClinVar aggregate classification (germline): Uncertain significance (1 of 4 stars; one submission).

Submission:

GeneDx
Classification: Uncertain significance. Last evaluated: 2024-10-02. Review status: criteria provided, single submitter. Criteria: GeneDx Variant Classification Process June 2021. Collection method: clinical testing. Allele origin: germline. Affected: yes.
Comment: Not observed at significant frequency in large population cohorts (gnomAD); In silico analysis supports that this missense variant has a deleterious effect on protein structure/function; Has not been previously published as pathogenic or benign to our knowledge